The following is an entry in ClinVar:

NM_000069.3(CACNA1S):c.3090C>T (p.Asp1030=)

Gene: CACNA1S (calcium voltage-gated channel subunit alpha1 S; minus strand). Cytogenetic location: 1q32.1.
Variant type: single nucleotide variant.
Coding change: c.3090C>T on transcript NM_000069.3 (MANE Select); coding-DNA position 3090, C replaced by T.
Protein change: p.Asp1030=; no amino-acid change (aspartic acid 1030 retained).
Molecular consequence: synonymous variant.
Genome position (GRCh38, 1-based): chr1:201,061,432, G>A on the plus strand (C>T on the coding strand, the complement: CACNA1S is on the minus strand). VCF-style: chr1-201061432-G-A. GRCh37 (hg19) VCF-style: chr1-201030560-G-A.
Identifiers: ClinVar variation 294732 (VCV000294732.37), dbSNP rs766639108, ClinGen allele CA079544.

ClinVar aggregate classification (germline): Likely benign. Review status: criteria provided, multiple submitters, no conflicts (2 of 4 stars). 9 submissions from 6 submitters: Likely benign (9). Last evaluated 2025-08-20.

Conditions:
Hypokalemic periodic paralysis, type 1. Also called: HypoPP; Hypokalemic Periodic Paralysis Type 1 (AD). Identifiers: Orphanet 681, MedGen C3714580, MONDO:0042979, OMIM 170400.
Malignant hyperthermia, susceptibility to, 5 (MHS5). Also called: CACNA1S-Related Malignant Hyperthermia Susceptibility. Identifiers: Orphanet 423, MedGen C1866077, MONDO:0011163, OMIM 601887.
Congenital myopathy 18. Also called: Myopathy, congenital, due to dihydropyridine receptor defect; DIHYDROPYRIDINE RECEPTOR CONGENITAL MYOPATHY; DHPR CONGENITAL MYOPATHY. Identifiers: MedGen C5830283, MONDO:0859514, OMIM 620246.
Thyrotoxic periodic paralysis, susceptibility to, 1 (TTPP1). Identifiers: Orphanet 79102, MedGen C2749982, MONDO:0008570, OMIM 188580.

Allele frequency attached by ClinVar (database versions not stated): gnomAD exomes 0.00002; gnomAD 0.00003 and 0.00004; TOPMed 0.00006.
gnomAD v4.1: 29 of 1,614,110 alleles (0.0018%); highest among the groups gnomAD compares: East Asian, 0.04%; no homozygotes.

Submissions (9):

Labcorp Genetics (formerly Invitae), Labcorp
Classification: Likely benign for Hypokalemic periodic paralysis, type 1; Malignant hyperthermia, susceptibility to, 5. Last evaluated: 2025-08-20. Review status: criteria provided, single submitter. Criteria: Invitae Variant Classification Sherloc (09022015). Collection method: clinical testing. Allele origin: germline.

CeGaT Center for Human Genetics Tuebingen
Classification: Likely benign. Last evaluated: 2023-12-01. Review status: criteria provided, single submitter. Criteria: CeGaT Center For Human Genetics Tuebingen Variant Classification Criteria Version 2. Collection method: clinical testing. Allele origin: germline. Affected: yes. Observed: 1 variant allele.
Comment: CACNA1S: BP4, BP7

All of Us Research Program, National Institutes of Health
Classification: Likely benign for Malignant hyperthermia, susceptibility to, 5. Last evaluated: 2023-11-30. Review status: criteria provided, single submitter. Criteria: ACMG Guidelines, 2015. Collection method: clinical testing. Allele origin: germline. Inheritance: Autosomal dominant inheritance. Observed: 4 variant alleles, 4 heterozygotes.
Comment: This study involves interpretation of variants in research participants for the purpose of population health screening. Participant phenotype was not available at the time of variant classification. Additional details can be found in publication PMID: 35346344, PMCID: PMC8962531

Genome-Nilou Lab
Classification: Likely benign for Malignant hyperthermia, susceptibility to, 5. Last evaluated: 2023-04-11. Review status: criteria provided, single submitter. Criteria: ACMG Guidelines, 2015. Collection method: clinical testing. Allele origin: germline. Affected: no.

Genome-Nilou Lab
Classification: Likely benign for Thyrotoxic periodic paralysis, susceptibility to, 1. Last evaluated: 2023-04-11. Review status: criteria provided, single submitter. Criteria: ACMG Guidelines, 2015. Collection method: clinical testing. Allele origin: germline. Affected: no.

Genome-Nilou Lab
Classification: Likely benign for Congenital myopathy 18. Last evaluated: 2023-04-11. Review status: criteria provided, single submitter. Criteria: ACMG Guidelines, 2015. Collection method: clinical testing. Allele origin: germline. Affected: no.

Genome-Nilou Lab
Classification: Likely benign for Hypokalemic periodic paralysis, type 1. Last evaluated: 2023-04-11. Review status: criteria provided, single submitter. Criteria: ACMG Guidelines, 2015. Collection method: clinical testing. Allele origin: germline. Affected: no.

Color Diagnostics, LLC DBA Color Health
Classification: Likely benign for Malignant hyperthermia, susceptibility to, 5. Last evaluated: 2022-11-06. Review status: criteria provided, single submitter. Criteria: ACMG Guidelines, 2015. Collection method: clinical testing. Allele origin: germline.

Illumina Laboratory Services, Illumina
Classification: Likely benign for Hypokalemic periodic paralysis, type 1. Last evaluated: 2018-01-13. Review status: criteria provided, single submitter. Criteria: ICSL Variant Classification Criteria 13 December 2019. Collection method: clinical testing. Allele origin: germline.
Comment: This variant was observed in the ICSL laboratory as part of a predisposition screen in an ostensibly healthy population. It had not been previously curated by ICSL or reported in the Human Gene Mutation Database (HGMD: prior to June 1st, 2018), and was therefore a candidate for classification through an automated scoring system. Utilizing variant allele frequency, disease prevalence and penetrance estimates, and inheritance mode, an automated score was calculated to assess if this variant is too frequent to cause the disease. Based on the score and internal cut-off values, a variant classified as likely benign is not then subjected to further curation. The score for this variant resulted in a classification of likely benign for this disease.